The following is an entry in ClinVar:

NM_001170629.2(CHD8):c.2390A>G (p.Lys797Arg)

Gene: CHD8 (chromodomain helicase DNA binding protein 8; minus strand). Cytogenetic location: 14q11.2.
Variant type: single nucleotide variant.
Coding change: c.2390A>G on transcript NM_001170629.2 (MANE Select); coding-DNA position 2390, A replaced by G.
Protein change: p.Lys797Arg; replaces lysine 797 with arginine.
Molecular consequence: missense variant.
Genome position (GRCh38, 1-based): chr14:21,408,800, T>C on the plus strand (A>G on the coding strand, the complement: CHD8 is on the minus strand). VCF-style: chr14-21408800-T-C. GRCh37 (hg19) VCF-style: chr14-21876959-T-C.
Other names: c.1553A>G, p.Lys518Arg (NM_020920.4); short protein forms K518R, K797R.
Identifiers: ClinVar variation 2505794 (VCV002505794.4), dbSNP rs2501925210, ClinGen allele CA388876299.

ClinVar aggregate classification (germline): Uncertain significance. Review status: criteria provided, multiple submitters, no conflicts (2 of 4 stars). 2 submissions from 2 submitters: Uncertain significance (2). Last evaluated 2023-01-20.

Submissions (2):

Labcorp Genetics (formerly Invitae), Labcorp
Classification: Uncertain significance. Last evaluated: 2023-01-20. Review status: criteria provided, single submitter. Criteria: Invitae Variant Classification Sherloc (09022015). Collection method: clinical testing. Allele origin: germline.
Comment: In summary, the available evidence is currently insufficient to determine the role of this variant in disease. Therefore, it has been classified as a Variant of Uncertain Significance. Advanced modeling of protein sequence and biophysical properties (such as structural, functional, and spatial information, amino acid conservation, physicochemical variation, residue mobility, and thermodynamic stability) performed at Invitae indicates that this missense variant is not expected to disrupt CHD8 protein function. This variant has not been reported in the literature in individuals affected with CHD8-related conditions. This variant is not present in population databases (gnomAD no frequency). This sequence change replaces lysine, which is basic and polar, with arginine, which is basic and polar, at codon 797 of the CHD8 protein (p.Lys797Arg).

GeneDx
Classification: Uncertain significance. Last evaluated: 2022-12-16. Review status: criteria provided, single submitter. Criteria: GeneDx Variant Classification Process June 2021. Collection method: clinical testing. Allele origin: germline. Affected: yes.
Comment: Not observed at significant frequency in large population cohorts (gnomAD); In silico analysis supports that this missense variant does not alter protein structure/function; Has not been previously published as pathogenic or benign to our knowledge